The following is an entry in ClinVar:

ClinVar aggregate classification (germline): Uncertain significance. Review status: criteria provided, multiple submitters, no conflicts (2 of 4 stars). 3 submissions from 3 submitters: Uncertain significance (3). Last evaluated 2025-11-26.

Conditions:
Inborn genetic diseases. Identifiers: MedGen C0950123, MeSH D030342.

Allele frequency attached by ClinVar (database versions not stated): ExAC 0.00001; gnomAD 0.00001; gnomAD exomes 0.00002; TOPMed 0.00002.

Submissions (3):

Ambry Genetics
Classification: Uncertain significance for Inborn genetic diseases. Last evaluated: 2025-11-26. Review status: criteria provided, single submitter. Criteria: Ambry Variant Classification Scheme 2023. Collection method: clinical testing. Allele origin: germline.

CeGaT Center for Human Genetics Tuebingen
Classification: Uncertain significance. Last evaluated: 2024-06-01. Review status: criteria provided, single submitter. Criteria: CeGaT Center For Human Genetics Tuebingen Variant Classification Criteria Version 2. Collection method: clinical testing. Allele origin: germline. Affected: yes. Observed: 1 variant allele.
Comment: DNAH9: PM2, BP4

Labcorp Genetics (formerly Invitae), Labcorp
Classification: Uncertain significance. Last evaluated: 2023-08-10. Review status: criteria provided, single submitter. Criteria: Invitae Variant Classification Sherloc (09022015). Collection method: clinical testing. Allele origin: germline.
Comment: This sequence change replaces methionine, which is neutral and non-polar, with valine, which is neutral and non-polar, at codon 1399 of the DNAH9 protein (p.Met1399Val). This variant is present in population databases (rs377549029, gnomAD 0.004%). This variant has not been reported in the literature in individuals affected with DNAH9-related conditions. Advanced modeling of protein sequence and biophysical properties (such as structural, functional, and spatial information, amino acid conservation, physicochemical variation, residue mobility, and thermodynamic stability) performed at Invitae indicates that this missense variant is not expected to disrupt DNAH9 protein function. In summary, the available evidence is currently insufficient to determine the role of this variant in disease. Therefore, it has been classified as a Variant of Uncertain Significance.

NM_001372.4(DNAH9):c.4195A>G (p.Met1399Val)

Gene: DNAH9 (dynein axonemal heavy chain 9; plus strand). Cytogenetic location: 17p12.
Variant type: single nucleotide variant.
Coding change: c.4195A>G on transcript NM_001372.4 (MANE Select); coding-DNA position 4195, A replaced by G.
Protein change: p.Met1399Val; replaces methionine 1399 with valine.
Molecular consequence: missense variant.
Genome position (GRCh38, 1-based): chr17:11,690,017, A>G. VCF-style: chr17-11690017-A-G. GRCh37 (hg19) VCF-style: chr17-11593334-A-G.
Other names: c.4195A>G (NM_001372.3); short protein forms M1399V.
Identifiers: ClinVar variation 2889877 (VCV002889877.19), dbSNP rs377549029, ClinGen allele CA8395618.